The following is an entry in ClinVar:

NM_001005337.3(PKP1):c.1248C>T (p.Ala416=)

Gene: PKP1 (plakophilin 1; plus strand). Cytogenetic location: 1q32.1.
Variant type: single nucleotide variant.
Coding change: c.1248C>T on transcript NM_001005337.3 (MANE Select); coding-DNA position 1248, C replaced by T.
Protein change: p.Ala416=; no amino-acid change (alanine 416 retained).
Molecular consequence: synonymous variant.
Genome position (GRCh38, 1-based): chr1:201,320,282, C>T. VCF-style: chr1-201320282-C-T. GRCh37 (hg19) VCF-style: chr1-201289410-C-T.
Other names: c.1311C>T, p.Ala437= (NM_000299.4).
Identifiers: ClinVar variation 2639780 (VCV002639780.24), dbSNP rs150013883, ClinGen allele CA1324390.

ClinVar aggregate classification (germline): Likely benign (1 of 4 stars; one submission).

Allele frequency attached by ClinVar (database versions not stated): gnomAD 0.00001; TOPMed 0.00002; ESP Exome Variant Server 0.00008.
gnomAD v4.1: 17 of 1,612,950 alleles (0.0011%); highest among the groups gnomAD compares: Admixed American, 0.0067%; no homozygotes.

Submission:

CeGaT Center for Human Genetics Tuebingen
Classification: Likely benign. Last evaluated: 2023-01-01. Review status: criteria provided, single submitter. Criteria: CeGaT Center For Human Genetics Tuebingen Variant Classification Criteria Version 2. Collection method: clinical testing. Allele origin: germline. Affected: yes. Observed: 1 variant allele.
Comment: PKP1: BP4, BP7